The following is an entry in ClinVar:

ClinVar aggregate classification (germline): Uncertain significance (1 of 4 stars; one submission).

Conditions:
DOCK2 deficiency. Also called: Immunodeficiency 40. Identifiers: Orphanet 447737, MedGen C4225328, MONDO:0014637, OMIM 616433.

Submission:

Labcorp Genetics (formerly Invitae), Labcorp
Classification: Uncertain significance for DOCK2 deficiency. Last evaluated: 2025-07-14. Review status: criteria provided, single submitter. Criteria: Invitae Variant Classification Sherloc (09022015). Collection method: clinical testing. Allele origin: germline.
Comment: This variant, c.5221_5226del, results in the deletion of 2 amino acid(s) of the DOCK2 protein (p.Ile1741_Pro1742del), but otherwise preserves the integrity of the reading frame. This variant is not present in population databases (gnomAD no frequency). This variant has not been reported in the literature in individuals affected with DOCK2-related conditions. ClinVar contains an entry for this variant (Variation ID: 571239). Experimental studies and prediction algorithms are not available or were not evaluated, and the functional significance of this variant is currently unknown. In summary, the available evidence is currently insufficient to determine the role of this variant in disease. Therefore, it has been classified as a Variant of Uncertain Significance.

NM_004946.3(DOCK2):c.5221_5226del (p.Ile1741_Pro1742del)

Gene: DOCK2 (dedicator of cytokinesis 2; plus strand). Cytogenetic location: 5q35.1.
Variant type: Deletion.
Coding change: c.5221_5226del on transcript NM_004946.3 (MANE Select); coding-DNA positions 5221 to 5226, 6 bases deleted (ATCCCC; older notation c.5221_5226delATCCCC).
Protein change: p.Ile1741_Pro1742del.
Molecular consequence: inframe deletion. On other transcripts: non-coding transcript variant (1).
Genome position (GRCh38, 1-based): chr5:170,080,217-170,080,222, ATCCCC deleted; deleting any 6 consecutive bases within chr5:170,080,215-170,080,222 gives the same sequence; the c. name uses the placement nearest the transcript's 3' end. VCF-style (leftmost placement, unchanged base first): chr5-170080214-GCCATCC-G. GRCh37 (hg19) VCF-style: chr5-169507218-GCCATCC-G.
Other names: c.5221_5226del, p.Ile1741_Pro1742del (LRG_1227t1).
Identifiers: ClinVar variation 571239 (VCV000571239.8), dbSNP rs1561912393, ClinGen allele CA891843330.